The following is an entry in ClinVar:

NM_005157.6(ABL1):c.2696C>T (p.Pro899Leu)

Gene: ABL1 (ABL proto-oncogene 1, non-receptor tyrosine kinase; plus strand). Cytogenetic location: 9q34.12.
Variant type: single nucleotide variant.
Coding change: c.2696C>T on transcript NM_005157.6 (MANE Select); coding-DNA position 2696, C replaced by T.
Protein change: p.Pro899Leu; replaces proline 899 with leucine.
Molecular consequence: missense variant.
Genome position (GRCh38, 1-based): chr9:130,884,986, C>T. VCF-style: chr9-130884986-C-T. GRCh37 (hg19) VCF-style: chr9-133760373-C-T.
Other names: c.2753C>T, p.Pro918Leu (NM_007313.3); short protein forms P899L, P918L.
Identifiers: ClinVar variation 2659613 (VCV002659613.26), dbSNP rs777134913, ClinGen allele CA5285744.

ClinVar aggregate classification (germline): Benign/Likely benign. Review status: criteria provided, multiple submitters, no conflicts (2 of 4 stars). 2 submissions from 2 submitters: Benign (1); Likely benign (1). Last evaluated 2024-07-21.

Allele frequency attached by ClinVar (database versions not stated): gnomAD 0.00001; TOPMed 0.00002; ExAC 0.00004; 1000 Genomes Project 30x 0.00031.
gnomAD v4.1: 27 of 1,610,980 alleles (0.0017%); highest among the groups gnomAD compares: African/African-American, 0.004%; no homozygotes.

Submissions (2):

Labcorp Genetics (formerly Invitae), Labcorp
Classification: Benign. Last evaluated: 2024-07-21. Review status: criteria provided, single submitter. Criteria: Invitae Variant Classification Sherloc (09022015). Collection method: clinical testing. Allele origin: germline.

CeGaT Center for Human Genetics Tuebingen
Classification: Likely benign. Last evaluated: 2023-02-01. Review status: criteria provided, single submitter. Criteria: CeGaT Center For Human Genetics Tuebingen Variant Classification Criteria Version 2. Collection method: clinical testing. Allele origin: germline. Affected: yes. Observed: 1 variant allele.
Comment: ABL1: BS2